The following is an entry in ClinVar:

NM_001080508.3(TBX18):c.1019C>T (p.Ala340Val)

Gene: TBX18 (T-box transcription factor 18; minus strand). Cytogenetic location: 6q14.3.
Variant type: single nucleotide variant.
Coding change: c.1019C>T on transcript NM_001080508.3 (MANE Select); coding-DNA position 1019, C replaced by T.
Protein change: p.Ala340Val; replaces alanine 340 with valine.
Molecular consequence: missense variant.
Genome position (GRCh38, 1-based): chr6:84,738,577, G>A on the plus strand (C>T on the coding strand, the complement: TBX18 is on the minus strand). VCF-style: chr6-84738577-G-A. GRCh37 (hg19) VCF-style: chr6-85448295-G-A.
Other names: short protein forms A340V.
Identifiers: ClinVar variation 2786244 (VCV002786244.3), dbSNP rs2481839585, ClinGen allele CA364895735.

ClinVar aggregate classification (germline): Uncertain significance (1 of 4 stars; one submission).

Allele frequency attached by ClinVar (database versions not stated): gnomAD exomes below 0.00001.

Submission:

Labcorp Genetics (formerly Invitae), Labcorp
Classification: Uncertain significance. Last evaluated: 2025-04-17. Review status: criteria provided, single submitter. Criteria: Invitae Variant Classification Sherloc (09022015). Collection method: clinical testing. Allele origin: germline.
Comment: This sequence change replaces alanine, which is neutral and non-polar, with valine, which is neutral and non-polar, at codon 340 of the TBX18 protein (p.Ala340Val). This variant is not present in population databases (gnomAD no frequency). This variant has not been reported in the literature in individuals affected with TBX18-related conditions. ClinVar contains an entry for this variant (Variation ID: 2786244). Invitae Evidence Modeling of protein sequence and biophysical properties (such as structural, functional, and spatial information, amino acid conservation, physicochemical variation, residue mobility, and thermodynamic stability) indicates that this missense variant is not expected to disrupt TBX18 protein function with a negative predictive value of 80%. In summary, the available evidence is currently insufficient to determine the role of this variant in disease. Therefore, it has been classified as a Variant of Uncertain Significance.